The following is an entry in ClinVar:

NM_000038.6(APC):c.6275T>C (p.Leu2092Pro)

Gene: APC (APC regulator of Wnt signaling pathway; plus strand). Cytogenetic location: 5q22.2.
Variant type: single nucleotide variant.
Coding change: c.6275T>C on transcript NM_000038.6 (MANE Select); coding-DNA position 6275, T replaced by C.
Protein change: p.Leu2092Pro; replaces leucine 2092 with proline.
Molecular consequence: missense variant. On other transcripts: non-coding transcript variant (2).
Genome position (GRCh38, 1-based): chr5:112,841,869, T>C. VCF-style: chr5-112841869-T-C. GRCh37 (hg19) VCF-style: chr5-112177566-T-C.
Other names: c.6275T>C, p.Leu2092Pro (NM_001127510.3, NM_001354895.2, NM_001407450.1); c.6221T>C, p.Leu2074Pro (NM_001127511.3); c.6329T>C, p.Leu2110Pro (NM_001354896.2, NM_001407447.1, NM_001407448.1 and 1 more transcripts); c.6305T>C, p.Leu2102Pro (NM_001354897.2); c.6200T>C, p.Leu2067Pro (NM_001354898.2); c.6191T>C, p.Leu2064Pro (NM_001354899.2); c.6152T>C, p.Leu2051Pro (NM_001354900.2); c.6098T>C, p.Leu2033Pro (NM_001354901.2, NM_001407453.1); and 11 more; short protein forms L1708P, L1809P, L1966P, L2051P, L2064P, L2067P, L2110P, L1932P.
Identifiers: ClinVar variation 2587017 (VCV002587017.2), dbSNP rs2149961208, ClinGen allele CA16035072.

ClinVar aggregate classification (germline): Uncertain significance (1 of 4 stars; one submission).

Conditions:
Hereditary cancer-predisposing syndrome. Also called: Hereditary neoplastic syndrome; Tumor predisposition; Hereditary Cancer Syndrome; Neoplastic Syndromes, Hereditary. Identifiers: Orphanet 140162, MedGen C0027672, MeSH D009386, MONDO:0015356.

Allele frequency attached by ClinVar (database versions not stated): gnomAD exomes below 0.00001.
gnomAD v4.1: 1 of 1,614,032 alleles (0.000062%); highest among the groups gnomAD compares: Non-Finnish European, 0.000085%; no homozygotes.

Submission:

Ambry Genetics
Classification: Uncertain significance for Hereditary cancer-predisposing syndrome. Last evaluated: 2023-08-22. Review status: criteria provided, single submitter. Criteria: Ambry Variant Classification Scheme 2023. Collection method: clinical testing. Allele origin: germline.
Comment: The p.L2092P variant (also known as c.6275T>C), located in coding exon 15 of the APC gene, results from a T to C substitution at nucleotide position 6275. The leucine at codon 2092 is replaced by proline, an amino acid with similar properties. This amino acid position is not well conserved in available vertebrate species. In addition, in silico predictors for this gene do not accurately predict pathogenicity. Since supporting evidence is limited at this time, the clinical significance of this alteration remains unclear.